The following is an entry in ClinVar:

NM_000053.4(ATP7B):c.4315T>C (p.Ser1439Pro)

Gene: ATP7B (ATPase copper transporting beta; minus strand). Cytogenetic location: 13q14.3.
Variant type: single nucleotide variant.
Coding change: c.4315T>C on transcript NM_000053.4 (MANE Select); coding-DNA position 4315, T replaced by C.
Protein change: p.Ser1439Pro; replaces serine 1439 with proline.
Molecular consequence: missense variant.
Genome position (GRCh38, 1-based): chr13:51,934,839, A>G on the plus strand (T>C on the coding strand, the complement: ATP7B is on the minus strand). VCF-style: chr13-51934839-A-G. GRCh37 (hg19) VCF-style: chr13-52508975-A-G.
Other names: c.3694T>C, p.Ser1232Pro (NM_001005918.3); c.3982T>C, p.Ser1328Pro (NM_001243182.2); c.4081T>C, p.Ser1361Pro (NM_001330578.2); c.4063T>C, p.Ser1355Pro (NM_001330579.2); short protein forms S1328P, S1355P, S1439P, S1232P, S1361P.
Identifiers: ClinVar variation 840191 (VCV000840191.8), dbSNP rs1454806333, ClinGen allele CA388019099.

ClinVar aggregate classification (germline): Uncertain significance. Review status: criteria provided, multiple submitters, no conflicts (2 of 4 stars). 3 submissions from 3 submitters: Uncertain significance (3). Last evaluated 2025-06-26.

Conditions:
Inborn genetic diseases. Identifiers: MedGen C0950123, MeSH D030342.
Wilson disease (WND). Also called: Wilson's disease. Identifiers: Orphanet 905, MedGen C0019202, MONDO:0010200, OMIM 277900. Disease mechanism: loss of function.

Submissions (3):

Labcorp Genetics (formerly Invitae), Labcorp
Classification: Uncertain significance for Wilson disease. Last evaluated: 2025-06-26. Review status: criteria provided, single submitter. Criteria: Invitae Variant Classification Sherloc (09022015). Collection method: clinical testing. Allele origin: germline.
Comment: This sequence change replaces serine, which is neutral and polar, with proline, which is neutral and non-polar, at codon 1439 of the ATP7B protein (p.Ser1439Pro). This variant is not present in population databases (gnomAD no frequency). This variant has not been reported in the literature in individuals affected with ATP7B-related conditions. ClinVar contains an entry for this variant (Variation ID: 840191). Invitae Evidence Modeling of protein sequence and biophysical properties (such as structural, functional, and spatial information, amino acid conservation, physicochemical variation, residue mobility, and thermodynamic stability) indicates that this missense variant is not expected to disrupt ATP7B protein function with a negative predictive value of 95%. In summary, the available evidence is currently insufficient to determine the role of this variant in disease. Therefore, it has been classified as a Variant of Uncertain Significance.

Blueprint Genetics
Classification: Uncertain significance. Last evaluated: 2024-11-25. Review status: criteria provided, single submitter. Criteria: ACMG Guidelines, 2015. Collection method: clinical testing. Allele origin: germline.

Ambry Genetics
Classification: Uncertain significance for Inborn genetic diseases. Last evaluated: 2022-10-05. Review status: criteria provided, single submitter. Criteria: Ambry Variant Classification Scheme 2023. Collection method: clinical testing. Allele origin: germline.